The following is an entry in ClinVar:

NM_000543.5(SMPD1):c.1216C>T (p.Gln406Ter)

Gene: SMPD1 (sphingomyelin phosphodiesterase 1; plus strand). Cytogenetic location: 11p15.4.
Variant type: single nucleotide variant.
Coding change: c.1216C>T on transcript NM_000543.5 (MANE Select); coding-DNA position 1216, C replaced by T.
Protein change: p.Gln406Ter; replaces glutamine 406 with a stop codon.
Molecular consequence: nonsense. On other transcripts: non-coding transcript variant (1), intron variant (1).
Genome position (GRCh38, 1-based): chr11:6,393,340, C>T. VCF-style: chr11-6393340-C-T. GRCh37 (hg19) VCF-style: chr11-6414570-C-T.
Other names: c.1213C>T, p.Gln405Ter (NM_001007593.3); c.1216C>T, p.Gln406Ter (NM_001318087.2); c.295C>T, p.Gln99Ter (NM_001318088.2); c.1132-277C>T (NM_001365135.2); short protein forms Q405*, Q99*, Q406*.
Identifiers: ClinVar variation 1372840 (VCV001372840.6), dbSNP rs2134017711, ClinGen allele CA379373613.
Genomic context (GRCh38, chr11:6,393,340, plus strand): 5'-TTTTGTTCCCGTGAGAACTTCTGGCTCTTGATCAACTCCACGGATCCCGCAGGACAGCTC[C>T]AGTGGCTGGTGGGGGAGCTTCAGGCTGCTGAGGATCGAGGAGACAAAGTGAGGGCCAGTA-3'

ClinVar aggregate classification (germline): Pathogenic (1 of 4 stars; one submission).

Conditions:
Niemann-Pick disease, type B. Also called: Chronic Visceral ASMD (Niemann-Pick Disease Type B; NPD-B). Identifiers: Orphanet 77293, MedGen C0268243, MONDO:0011871, OMIM 607616. Disease mechanism: loss of function.
Niemann-Pick disease, type A. Also called: Infantile Neurovisceral ASMD (Niemann-Pick Disease Type A; NPD-A); SPHINGOMYELIN LIPIDOSIS; SPHINGOMYELINASE DEFICIENCY. Identifiers: Orphanet 77292, MedGen C0268242, MONDO:0009756, OMIM 257200. Disease mechanism: loss of function.

Allele frequency attached by ClinVar (database versions not stated): gnomAD exomes below 0.00001.
gnomAD v4.1: 1 of 1,613,988 alleles (0.000062%); highest among the groups gnomAD compares: East Asian, 0.0022%; no homozygotes.

Submission:

Labcorp Genetics (formerly Invitae), Labcorp
Classification: Pathogenic for Niemann-Pick disease, type B; Niemann-Pick disease, type A. Last evaluated: 2021-09-06. Review status: criteria provided, single submitter. Criteria: Invitae Variant Classification Sherloc (09022015). Collection method: clinical testing. Allele origin: germline.
Comment: For these reasons, this variant has been classified as Pathogenic. This variant has not been reported in the literature in individuals affected with SMPD1-related conditions. This variant is not present in population databases (ExAC no frequency). This sequence change creates a premature translational stop signal (p.Gln406*) in the SMPD1 gene. It is expected to result in an absent or disrupted protein product. Loss-of-function variants in SMPD1 are known to be pathogenic (PMID: 12369017, 15221801).

Literature cited by the submitters: PubMed 12369017; PubMed 15221801.